The following is an entry in ClinVar:

ClinVar aggregate classification (germline): Conflicting classifications of pathogenicity. Review status: criteria provided, conflicting classifications (1 of 4 stars). 2 submissions from 2 submitters: Uncertain significance (1); Likely benign (1). Last evaluated 2024-10-23.

Conditions:
Inborn genetic diseases. Identifiers: MedGen C0950123, MeSH D030342.
GNAS-related disorder. Identifiers: MedGen CN380105.

Allele frequency attached by ClinVar (database versions not stated): gnomAD exomes below 0.00001; TOPMed 0.00002; gnomAD 0.00004; 1000 Genomes Project 0.00020; ExAC 0.00002; 1000 Genomes Project 30x 0.00016.
gnomAD v4.1: 12 of 1,613,322 alleles (0.00074%); highest among the groups gnomAD compares: African/African-American, 0.011%; no homozygotes.

Submissions (2):

PreventionGenetics, part of Exact Sciences
Classification: Uncertain significance for GNAS-related condition. Last evaluated: 2024-10-23. Review status: criteria provided, single submitter. Criteria: ACMG Guidelines, 2015. Collection method: clinical testing. Allele origin: germline.
Comment: The GNAS c.782C>T variant is predicted to result in the amino acid substitution p.Ser261Leu. On the primary transcript (NM_000516.5), this is a precoding variant designated as c.-37493C>T. To our knowledge, this variant has not been reported in the literature. This variant is reported in 0.025% of alleles in individuals of African descent in gnomAD, which is likely too common for an undocumented disease-causing variant. Although we suspect that this variant may be benign, at this time, the clinical significance of this variant is uncertain due to the absence of conclusive functional and genetic evidence.

Ambry Genetics
Classification: Likely benign for Inborn genetic diseases. Last evaluated: 2022-05-05. Review status: criteria provided, single submitter. Criteria: Ambry Variant Classification Scheme 2023. Collection method: clinical testing. Allele origin: germline.

NM_080425.4(GNAS):c.969C>T (p.Val323=)

Gene: GNAS (GNAS complex locus; plus strand). Cytogenetic location: 20q13.32.
Variant type: single nucleotide variant.
Coding change: c.969C>T on transcript NM_080425.4 (MANE Plus Clinical); coding-DNA position 969, C replaced by T.
Protein change: p.Val323=; no amino-acid change (valine 323 retained).
Molecular consequence: synonymous variant. On other transcripts: missense variant (2), intron variant (3).
Genome position (GRCh38, 1-based): chr20:58,854,234, C>T. VCF-style: chr20-58854234-C-T. GRCh37 (hg19) VCF-style: chr20-57429289-C-T.
Other names: c.782C>T, p.Ser261Leu (NM_001077490.3, NM_001309883.1); c.969C>T, p.Val323= (NM_001410913.1); c.*42+13348C>T (NM_016592.5); c.43+13348C>T (NM_001410912.1); c.-39+12359C>T (NM_001309861.2); short protein forms S261L.
Identifiers: ClinVar variation 2282455 (VCV002282455.4), dbSNP rs189777461, ClinGen allele CA9926597.